The following is an entry in ClinVar:

ClinVar aggregate classification (germline): Likely pathogenic (1 of 4 stars; one submission).

Conditions:
Snijders Blok-Campeau syndrome. Also called: INTELLECTUAL DEVELOPMENTAL DISORDER WITH MACROCEPHALY, SPEECH DELAY, AND DYSMORPHIC FACIES. Identifiers: Orphanet 599082, MedGen C4748701, MONDO:0032600, OMIM 618205.

Submission:

Institute of Human Genetics, Clinical Exome/Genome Diagnostics Group, University Hospital Bonn
Classification: Likely pathogenic for Snijders Blok-Campeau syndrome. Last evaluated: 2024-11-24. Review status: criteria provided, single submitter. Criteria: ACMG Guidelines, 2015. Collection method: clinical testing. Allele origin: de novo. Inheritance: Autosomal dominant inheritance. Affected: yes. Observed: 1 heterozygote.
Comment: PS2, PM1, PM2_supporting, PP2, PP3

NM_001005273.3(CHD3):c.3587A>C (p.Gln1196Pro)

Gene: CHD3 (chromodomain helicase DNA binding protein 3; plus strand). Cytogenetic location: 17p13.1.
Variant type: single nucleotide variant.
Coding change: c.3587A>C on transcript NM_001005273.3 (MANE Select); coding-DNA position 3587, A replaced by C.
Protein change: p.Gln1196Pro; replaces glutamine 1196 with proline.
Molecular consequence: missense variant.
Genome position (GRCh38, 1-based): chr17:7,903,363, A>C. VCF-style: chr17-7903363-A-C. GRCh37 (hg19) VCF-style: chr17-7806681-A-C.
Other names: c.3764A>C, p.Gln1255Pro (NM_001005271.3); c.3587A>C, p.Gln1196Pro (NM_005852.4); short protein forms Q1196P, Q1255P.
Identifiers: ClinVar variation 3776754 (VCV003776754.1).